The following is an entry in ClinVar:

NM_004706.4(ARHGEF1):c.-19-5T>C

Gene: ARHGEF1 (Rho guanine nucleotide exchange factor 1; plus strand). Cytogenetic location: 19q13.2.
Variant type: single nucleotide variant.
Coding change: c.-19-5T>C on transcript NM_004706.4 (MANE Select); 5 bases into the intron before 19 bases upstream of the start codon, T replaced by C.
Molecular consequence: intron variant.
Genome position (GRCh38, 1-based): chr19:41,888,059, T>C. VCF-style: chr19-41888059-T-C. GRCh37 (hg19) VCF-style: chr19-42392130-T-C.
Other names: c.-19-5T>C (NM_198977.2); c.27-5T>C (NM_199002.2, NM_199002.1).
Identifiers: ClinVar variation 1165766 (VCV001165766.13), dbSNP rs28396197, ClinGen allele CA9465733.

ClinVar aggregate classification (germline): Benign. Review status: criteria provided, multiple submitters, no conflicts (2 of 4 stars). 4 submissions from 4 submitters: Benign (3). 1 of the submissions does not count toward it. Last evaluated 2026-02-04.

Conditions:
ARHGEF1-related disorder. Also called: ARHGEF1-related condition.

Allele frequency attached by ClinVar (database versions not stated): gnomAD exomes 0.08637 and 0.03400; TOPMed 0.24415; gnomAD 0.22804 and 0.21950; ESP Exome Variant Server 0.23804; 1000 Genomes Project 0.29952; ExAC 0.10206; 1000 Genomes Project 30x 0.31277.
gnomAD v4.1: 85,247 of 1,611,162 alleles (5.3%); highest among the groups gnomAD compares: African/African-American, 71%; 21,411 homozygotes.

Submissions (4):

Labcorp Genetics (formerly Invitae), Labcorp
Classification: Benign. Last evaluated: 2026-02-04. Review status: criteria provided, single submitter. Criteria: Invitae Variant Classification Sherloc (09022015). Collection method: clinical testing. Allele origin: germline.

Women's Health and Genetics/Laboratory Corporation of America, LabCorp
Classification: Benign. Last evaluated: 2026-01-21. Review status: criteria provided, single submitter. Criteria: LabCorp Variant Classification Summary - May 2015. Collection method: clinical testing. Allele origin: germline.

Breakthrough Genomics
Classification: Benign. Review status: criteria provided, single submitter. Criteria: ACMG Guidelines, 2015. Collection method: not provided. Allele origin: germline. Inheritance: Autosomal recessive inheritance. Affected: yes.

PreventionGenetics, part of Exact Sciences
Classification: Benign for ARHGEF1-related condition. Last evaluated: 2019-11-11. Review status: no assertion criteria provided. Collection method: clinical testing. Allele origin: germline. Not counted in ClinVar's aggregate classification.
Comment: This variant is classified as benign based on ACMG/AMP sequence variant interpretation guidelines (Richards et al. 2015 PMID: 25741868, with internal and published modifications).